The following is an entry in ClinVar:

ClinVar aggregate classification (germline): Likely benign (1 of 4 stars; one submission).

Submission:

CeGaT Center for Human Genetics Tuebingen
Classification: Likely benign. Last evaluated: 2026-07-01. Review status: criteria provided, single submitter. Criteria: CeGaT Center For Human Genetics Tuebingen Variant Classification Criteria Version 2. Collection method: clinical testing. Allele origin: germline. Affected: yes. Observed: 1 variant allele.
Comment: NDUFA8: PM2:Supporting, BP4, BP7

NM_014222.3(NDUFA8):c.249A>G (p.Thr83=)

Gene: NDUFA8 (NADH:ubiquinone oxidoreductase subunit A8; minus strand). Cytogenetic location: 9q33.2.
Variant type: single nucleotide variant.
Coding change: c.249A>G on transcript NM_014222.3 (MANE Select); coding-DNA position 249, A replaced by G.
Protein change: p.Thr83=; no amino-acid change (threonine 83 retained).
Molecular consequence: synonymous variant.
Genome position (GRCh38, 1-based): chr9:122,148,244, T>C on the plus strand (A>G on the coding strand, the complement: NDUFA8 is on the minus strand). VCF-style: chr9-122148244-T-C. GRCh37 (hg19) VCF-style: chr9-124910523-T-C.
Other names: c.249A>G, p.Thr83= (NM_001318195.2).
Identifiers: ClinVar variation 5040020 (VCV005040020.1).